The following is an entry in ClinVar:

NM_018089.3(ANKZF1):c.1903_1908del (p.Gln635_Gln636del)

Gene: ANKZF1 (ankyrin repeat and zinc finger peptidyl tRNA hydrolase 1; plus strand). Cytogenetic location: 2q35.
Variant type: Deletion.
Coding change: c.1903_1908del on transcript NM_018089.3 (MANE Select); coding-DNA positions 1903 to 1908, 6 bases deleted (CAGCAG; older notation c.1903_1908delCAGCAG).
Protein change: p.Gln635_Gln636del.
Genome position (GRCh38, 1-based): chr2:219,235,807-219,235,812, CAGCAG deleted; deleting any 6 consecutive bases within chr2:219,235,806-219,235,812 gives the same sequence; the c. name uses the placement nearest the transcript's 3' end. VCF-style (leftmost placement, unchanged base first): chr2-219235805-GGCAGCA-G. GRCh37 (hg19) VCF-style: chr2-220100527-GGCAGCA-G.
Other names: c.1903_1908del, p.Gln635_Gln636del (NM_001042410.2); c.1273_1278del, p.Gln425_Gln426del (NM_001282792.2).
Identifiers: ClinVar variation 4770074 (VCV004770074.1).

ClinVar aggregate classification (germline): Uncertain significance (1 of 4 stars; one submission).

Submission:

Labcorp Genetics (formerly Invitae), Labcorp
Classification: Uncertain significance. Last evaluated: 2025-06-25. Review status: criteria provided, single submitter. Criteria: Invitae Variant Classification Sherloc (09022015). Collection method: clinical testing. Allele origin: germline.
Comment: This variant, c.1903_1908del, results in the deletion of 2 amino acid(s) of the ANKZF1 protein (p.Gln635_Gln636del), but otherwise preserves the integrity of the reading frame. This variant is not present in population databases (gnomAD no frequency). This variant has not been reported in the literature in individuals affected with ANKZF1-related conditions. Experimental studies and prediction algorithms are not available or were not evaluated, and the functional significance of this variant is currently unknown. In summary, the available evidence is currently insufficient to determine the role of this variant in disease. Therefore, it has been classified as a Variant of Uncertain Significance.